The following continues an entry in ClinVar:

NM_145064.3(STAC3):c.851G>C (p.Trp284Ser)

Gene: STAC3. ClinVar aggregate classification (germline): Pathogenic/Likely pathogenic. Pathogenic (18); Likely pathogenic (1).

Submissions 17 to 23 of 23:

Broad Center for Mendelian Genomics, Broad Institute of MIT and Harvard
Classification: Pathogenic for Bailey-Bloch congenital myopathy. Last evaluated: 2018-06-15. Review status: criteria provided, single submitter. Criteria: ACMG Guidelines, 2015. Collection method: research. Allele origin: germline. Inheritance: Autosomal recessive inheritance. Affected: yes.
Comment: This variant is pathogenic based on multiple reports in ClinVar and the literature.

Baylor-Hopkins Center for Mendelian Genomics, Johns Hopkins University School of Medicine
Classification: Pathogenic for Bailey-Bloch congenital myopathy. Review status: criteria provided, single submitter. Criteria: ACMG Guidelines, 2015. Collection method: research. Allele origin: germline. Inheritance: Autosomal recessive inheritance. Affected: yes. Observed: 1 variant allele, 1 homozygote. Study: CMG-BHCMG.

Rady Children's Institute for Genomic Medicine, Rady Children's Hospital San Diego
Classification: Pathogenic for MYOPATHY, CONGENITAL, BAILEY-BLOCH. Review status: criteria provided, single submitter. Criteria: ACMG Guidelines, 2015. Collection method: clinical testing. Allele origin: germline. Affected: yes.
Comment: This variant has been previously reported as a compound heterozygous and homozygous change in individuals with Bailey-Bloch congenital myopathy (PMID: 30168660, 23736855, 27621462, 28777491, 28003463). Functional studies have shown this variant impairs normal STAC3 protein function (PMID: 23736855). The c.851G>C (p.Trp284Ser) variant is present in the heterozygous state in the gnomAD population database at a frequency of 0.00012% (33/282798). It affects a highly conserved amino acid and is predicted by multiple in silico tools to have a deleterious effect on protein function. Based on the available evidence, the c.851G>C (p.Trp284Ser) variant is classified as Pathogenic.

PreventionGenetics, part of Exact Sciences
Classification: Pathogenic for STAC3-related condition. Last evaluated: 2024-05-24. Review status: no assertion criteria provided. Collection method: clinical testing. Allele origin: germline. Not counted in ClinVar's aggregate classification.
Comment: The STAC3 c.851G>C variant is predicted to result in the amino acid substitution p.Trp284Ser. This variant has been reported in the homozygous and compound heterozygous states to be causative for congenital Bailey-Bloch myopathy with susceptibility to malignant hyperthermia (Stamm et al. 2008. PubMed ID: 18553514; Horstick et al. 2013. PubMed ID: 23736855; Telegrafi et al. 2017. PubMed ID: 28777491; Schoonen et al. 2019. PubMed ID: 30872186). This variant is reported in 0.10% of alleles in individuals of African descent in gnomAD. This variant is interpreted as pathogenic.

Laboratoire Génétique Moléculaire, CHRU TOURS
Classification: Pathogenic for Bailey-Bloch congenital myopathy. Last evaluated: 2022-05-23. Review status: no assertion criteria provided. Collection method: clinical testing. Allele origin: biparental. Inheritance: Autosomal recessive inheritance. Affected: yes. Observed: 7 variant alleles, 7 homozygotes. Not counted in ClinVar's aggregate classification.

OMIM
Classification: Pathogenic for CONGENITAL MYOPATHY 13. Last evaluated: 2013-01-01. Review status: no assertion criteria provided. Collection method: literature only. Allele origin: germline. Not counted in ClinVar's aggregate classification.

GeneReviews
No classification provided. Condition: Bailey-Bloch congenital myopathy. Review status: no classification provided. Collection method: literature only. Allele origin: germline. Not counted in ClinVar's aggregate classification.

Literature cited by the submitters: PubMed 23736855 (cited by 7 submitters); PubMed 28777491 (cited by 7 submitters); PubMed 30168660 (cited by 4 submitters); PubMed 32492370 (cited by Mayo Clinic Laboratories, Mayo Clinic); PubMed 36030003 (cited by Mayo Clinic Laboratories, Mayo Clinic); PubMed 38088138 (cited by Mayo Clinic Laboratories, Mayo Clinic); PubMed 31219695 (cited by GeneReviews).